The following is an entry in ClinVar:

ClinVar aggregate classification (germline): Uncertain significance (1 of 4 stars; one submission).

Conditions:
KCNK3-related disorder. Also called: KCNK3-related condition.

Submission:

PreventionGenetics, part of Exact Sciences
Classification: Uncertain significance for KCNK3-related condition. Last evaluated: 2026-09-15. Review status: criteria provided, single submitter. Criteria: ACMG Guidelines, 2015. Collection method: clinical testing. Allele origin: germline.
Comment: The KCNK3 c.895G>C variant is predicted to result in the amino acid substitution p.Val299Leu. To our knowledge, this variant has not been reported in the literature or in a large population database (gnomAD), indicating this variant is rare. At this time, the clinical significance of this variant is uncertain due to the absence of conclusive functional and genetic evidence.

NM_002246.3(KCNK3):c.895G>C (p.Val299Leu)

Gene: KCNK3 (potassium two pore domain channel subfamily K member 3; plus strand). Cytogenetic location: 2p23.3.
Variant type: single nucleotide variant.
Coding change: c.895G>C on transcript NM_002246.3 (MANE Select); coding-DNA position 895, G replaced by C.
Protein change: p.Val299Leu; replaces valine 299 with leucine.
Molecular consequence: missense variant.
Genome position (GRCh38, 1-based): chr2:26,728,278, G>C. VCF-style: chr2-26728278-G-C. GRCh37 (hg19) VCF-style: chr2-26951146-G-C.
Other names: short protein forms V299L.
Identifiers: ClinVar variation 4996476 (VCV004996476.1).